The following is an entry in ClinVar:

ClinVar aggregate classification (germline): Uncertain significance (1 of 4 stars; one submission).

Conditions:
Emery-Dreifuss muscular dystrophy 4, autosomal dominant (EDMD4). Also called: EMERY-DREIFUSS MUSCULAR DYSTROPHY 4 WITH VARIABLE FEATURES. Identifiers: Orphanet 261, MedGen C2751807, MONDO:0013071, OMIM 612998.
Autosomal recessive ataxia, Beauce type. Also called: Spinocerebellar ataxia, autosomal recessive 8; ATAXIA, RECESSIVE, OF BEAUCE; SYNE1-Related Autosomal Recessive Cerebellar Ataxia; SYNE1 Deficiency. Identifiers: Orphanet 88644, MedGen C1853116, MONDO:0012549, OMIM 610743.

Submission:

Labcorp Genetics (formerly Invitae), Labcorp
Classification: Uncertain significance for Emery-Dreifuss muscular dystrophy 4, autosomal dominant; Autosomal recessive ataxia, Beauce type. Last evaluated: 2023-03-30. Review status: criteria provided, single submitter. Criteria: Invitae Variant Classification Sherloc (09022015). Collection method: clinical testing. Allele origin: germline.
Comment: In summary, the available evidence is currently insufficient to determine the role of this variant in disease. Therefore, it has been classified as a Variant of Uncertain Significance. An algorithm developed to predict the effect of missense changes on protein structure and function (PolyPhen-2) suggests that this variant is likely to be tolerated. This variant has not been reported in the literature in individuals affected with SYNE1-related conditions. This variant is not present in population databases (gnomAD no frequency). This sequence change replaces alanine, which is neutral and non-polar, with valine, which is neutral and non-polar, at codon 6989 of the SYNE1 protein (p.Ala6989Val).

NM_182961.4(SYNE1):c.21179C>T (p.Ala7060Val)

Gene: SYNE1 (spectrin repeat containing nuclear envelope protein 1; minus strand). Cytogenetic location: 6q25.2.
Variant type: single nucleotide variant.
Coding change: c.21179C>T on transcript NM_182961.4 (MANE Select); coding-DNA position 21179, C replaced by T.
Protein change: p.Ala7060Val; replaces alanine 7060 with valine.
Molecular consequence: missense variant.
Genome position (GRCh38, 1-based): chr6:152,230,563, G>A on the plus strand (C>T on the coding strand, the complement: SYNE1 is on the minus strand). VCF-style: chr6-152230563-G-A. GRCh37 (hg19) VCF-style: chr6-152551698-G-A.
Other names: c.20966C>T, p.Ala6989Val (NM_033071.5); short protein forms A6989V, A7060V.
Identifiers: ClinVar variation 2945747 (VCV002945747.3), dbSNP rs2551615727, ClinGen allele CA366111656.
Genomic context (GRCh38, chr6:152,230,563, plus strand): 5'-ATGAAATTGTGAGATGGTGCATGTTAGCCACCTGGACAAGTTACCTGACAGTCTTTCAGT[G>A]CATTTTGAACAGAAGCCTGATCTCCAATTCGATGCTGTTGTTTTAGTCTCTTTTCCTGGG-3'
Protein context (NP_892006.3, residues 7050-7070): RIGDQASVQN[Ala7060Val]LKDCQDLEDL